The following is an entry in ClinVar:

ClinVar aggregate classification (germline): Pathogenic (1 of 4 stars; one submission).

Conditions:
Glycogen storage disease type III (GSD3). Also called: Cori disease; FORBES DISEASE. Identifiers: Orphanet 366, MedGen C0017922, MONDO:0009291, OMIM 232400.

Submission:

Labcorp Genetics (formerly Invitae), Labcorp
Classification: Pathogenic for Glycogen storage disease type III. Last evaluated: 2025-02-17. Review status: criteria provided, single submitter. Criteria: Invitae Variant Classification Sherloc (09022015). Collection method: clinical testing. Allele origin: germline.
Comment: This sequence change creates a premature translational stop signal (p.Tyr94Ilefs*14) in the AGL gene. It is expected to result in an absent or disrupted protein product. Loss-of-function variants in AGL are known to be pathogenic (PMID: 19299494). This variant is not present in population databases (gnomAD no frequency). This variant has not been reported in the literature in individuals affected with AGL-related conditions. For these reasons, this variant has been classified as Pathogenic.

Literature cited by the submitters: PubMed 19299494.

NM_000642.3(AGL):c.280del (p.Tyr94fs)

Gene: AGL (amylo-alpha-1,6-glucosidase and 4-alpha-glucanotransferase; plus strand). Cytogenetic location: 1p21.2.
Variant type: Deletion.
Coding change: c.280del on transcript NM_000642.3 (MANE Select); coding-DNA position 280, one base deleted (T; older notation c.280delT).
Protein change: p.Tyr94fs; shifts the reading frame from tyrosine 94.
Molecular consequence: frameshift variant. On other transcripts: intron variant (1).
Genome position (GRCh38, 1-based): chr1:99,861,700, T deleted; the last of 2 consecutive T bases (chr1:99,861,699-99,861,700); deleting either gives the same sequence. VCF-style (leftmost placement, unchanged base first): chr1-99861698-AT-A. GRCh37 (hg19) VCF-style: chr1-100327254-AT-A.
Other names: c.280del, p.Tyr94fs (NM_000028.3, NM_000643.3, NM_000644.3 and 5 more transcripts); c.232del, p.Tyr78fs (NM_000646.3); c.83-2686del (NM_001425332.1); short protein forms Y94fs, Y78fs.
Identifiers: ClinVar variation 4713296 (VCV004713296.1).
Genomic context (GRCh38, chr1:99,861,698, plus strand): 5'-GAGAAGATGATTCTGATAAATACTGTAAACTTAATCTGCAACAATCTGGTTCATTTCAGT[AT>A]TATTTCCTTCAAGGGTAAGTCAGGTGTTTTGTTTGTGAGAAAAAAAGTTAATTTGTTCTG-3'